The following is an entry in ClinVar:

ClinVar aggregate classification (germline): Uncertain significance. Review status: criteria provided, multiple submitters, no conflicts (2 of 4 stars). 2 submissions from 2 submitters: Uncertain significance (2). Last evaluated 2024-07-29.

Allele frequency attached by ClinVar (database versions not stated): gnomAD 0.00001.
gnomAD v4.1: 1 of 1,595,440 alleles (0.000063%); highest among the groups gnomAD compares: Non-Finnish European, 0.000085%; no homozygotes.

Submissions (2):

Labcorp Genetics (formerly Invitae), Labcorp
Classification: Uncertain significance. Last evaluated: 2024-07-29. Review status: criteria provided, single submitter. Criteria: Invitae Variant Classification Sherloc (09022015). Collection method: clinical testing. Allele origin: germline.
Comment: This sequence change replaces alanine, which is neutral and non-polar, with proline, which is neutral and non-polar, at codon 17 of the ABRAXAS1 protein (p.Ala17Pro). This variant is present in population databases (no rsID available, gnomAD 0.007%). This variant has not been reported in the literature in individuals affected with ABRAXAS1-related conditions. Advanced modeling of protein sequence and biophysical properties (such as structural, functional, and spatial information, amino acid conservation, physicochemical variation, residue mobility, and thermodynamic stability) has been performed at Invitae for this missense variant, however the output from this modeling did not meet the statistical confidence thresholds required to predict the impact of this variant on ABRAXAS1 protein function. In summary, the available evidence is currently insufficient to determine the role of this variant in disease. Therefore, it has been classified as a Variant of Uncertain Significance.

Ambry Genetics
Classification: Uncertain significance. Last evaluated: 2024-06-22. Review status: criteria provided, single submitter. Criteria: Ambry Variant Classification Scheme 2023. Collection method: clinical testing. Allele origin: germline.
Comment: The p.A17P variant (also known as c.49G>C), located in coding exon 1 of the FAM175A gene, results from a G to C substitution at nucleotide position 49. The alanine at codon 17 is replaced by proline, an amino acid with highly similar properties. This amino acid position is conserved. In addition, the in silico prediction for this alteration is inconclusive. Based on the available evidence, the clinical significance of this variant remains unclear.

NM_139076.3(ABRAXAS1):c.49G>C (p.Ala17Pro)

Genes: ABRAXAS1 (abraxas 1, BRCA1 A complex subunit; minus strand), LOC129992784 (ATAC-STARR-seq lymphoblastoid silent region 15542; plus strand). Cytogenetic location: 4q21.23.
Variant type: single nucleotide variant.
Coding change: c.49G>C on transcript NM_139076.3 (MANE Select); coding-DNA position 49, G replaced by C.
Protein change: p.Ala17Pro; replaces alanine 17 with proline.
Molecular consequence: missense variant. On other transcripts: 5 prime UTR variant (1).
Genome position (GRCh38, 1-based): chr4:83,485,024, C>G on the plus strand (G>C on the coding strand, the complement: ABRAXAS1 is on the minus strand). VCF-style: chr4-83485024-C-G. GRCh37 (hg19) VCF-style: chr4-84406177-C-G.
Other names: c.-212G>C (NM_001345962.2); c.49G>C (NM_139076.2); short protein forms A17P.
Identifiers: ClinVar variation 2821916 (VCV002821916.4), dbSNP rs1319265266, ClinGen allele CA357263989.